The following is an entry in ClinVar:

ClinVar aggregate classification (germline): Benign. Review status: criteria provided, multiple submitters, no conflicts (2 of 4 stars). 3 submissions from 3 submitters: Benign (2). 1 of the submissions does not count toward it. Last evaluated 2019-12-31.

Conditions:
DROSHA-related disorder. Also called: DROSHA-related condition.

Allele frequency attached by ClinVar (database versions not stated): ESP Exome Variant Server 0.02468; gnomAD 0.02546 and 0.02371; TOPMed 0.02663; gnomAD exomes 0.00258 and 0.00655; ExAC 0.00753; 1000 Genomes Project 0.02336; 1000 Genomes Project 30x 0.02498.
gnomAD v4.1: 7,578 of 1,613,836 alleles (0.47%); highest among the groups gnomAD compares: African/African-American, 8.1%; 280 homozygotes.

Submissions (3):

Labcorp Genetics (formerly Invitae), Labcorp
Classification: Benign. Last evaluated: 2019-12-31. Review status: criteria provided, single submitter. Criteria: Invitae Variant Classification Sherloc (09022015). Collection method: clinical testing. Allele origin: germline.

Breakthrough Genomics
Classification: Benign. Review status: criteria provided, single submitter. Criteria: ACMG Guidelines, 2015. Collection method: not provided. Allele origin: germline. Inheritance: Unknown mechanism. Affected: yes.

PreventionGenetics, part of Exact Sciences
Classification: Benign for DROSHA-related condition. Last evaluated: 2019-11-06. Review status: no assertion criteria provided. Collection method: clinical testing. Allele origin: germline. Not counted in ClinVar's aggregate classification.
Comment: This variant is classified as benign based on ACMG/AMP sequence variant interpretation guidelines (Richards et al. 2015 PMID: 25741868, with internal and published modifications).

NM_001382508.1(DROSHA):c.3027T>C (p.Leu1009=)

Gene: DROSHA (drosha ribonuclease III; minus strand). Cytogenetic location: 5p13.3.
Variant type: single nucleotide variant.
Coding change: c.3027T>C on transcript NM_001382508.1 (MANE Select); coding-DNA position 3027, T replaced by C.
Protein change: p.Leu1009=; no amino-acid change (leucine 1009 retained).
Molecular consequence: synonymous variant.
Genome position (GRCh38, 1-based): chr5:31,435,780, A>G on the plus strand (T>C on the coding strand, the complement: DROSHA is on the minus strand). VCF-style: chr5-31435780-A-G. GRCh37 (hg19) VCF-style: chr5-31435887-A-G.
Other names: c.2916T>C, p.Leu972= (NM_001100412.2); c.3027T>C, p.Leu1009= (NM_013235.5).
Identifiers: ClinVar variation 782448 (VCV000782448.7), dbSNP rs10039385, ClinGen allele CA3217308.